The following is an entry in ClinVar:

ClinVar aggregate classification (germline): Likely benign (1 of 4 stars; one submission).

Allele frequency attached by ClinVar (database versions not stated): 1000 Genomes Project 0.00120; 1000 Genomes Project 30x 0.00141; ExAC 0.00300; gnomAD 0.00328; ESP Exome Variant Server 0.00355; TOPMed 0.00359.

Submission:

CeGaT Center for Human Genetics Tuebingen
Classification: Likely benign. Last evaluated: 2023-04-01. Review status: criteria provided, single submitter. Criteria: CeGaT Center For Human Genetics Tuebingen Variant Classification Criteria Version 2. Collection method: clinical testing. Allele origin: germline. Affected: yes. Observed: 1 variant allele.
Comment: TTC38: BP4, BS2

NM_017931.4(TTC38):c.1210C>T (p.Arg404Trp)

Gene: TTC38 (tetratricopeptide repeat domain 38; plus strand). Cytogenetic location: 22q13.31.
Variant type: single nucleotide variant.
Coding change: c.1210C>T on transcript NM_017931.4 (MANE Select); coding-DNA position 1210, C replaced by T.
Protein change: p.Arg404Trp; replaces arginine 404 with tryptophan.
Molecular consequence: missense variant.
Genome position (GRCh38, 1-based): chr22:46,289,529, C>T. VCF-style: chr22-46289529-C-T. GRCh37 (hg19) VCF-style: chr22-46685426-C-T.
Other names: short protein forms R404W.
Identifiers: ClinVar variation 2653303 (VCV002653303.24), dbSNP rs78692941, ClinGen allele CA10291060.